The following is an entry in ClinVar:

ClinVar aggregate classification (germline): Uncertain significance (1 of 4 stars; one submission).

Conditions:
Zellweger spectrum disorders (ZS). Also called: Zellweger Spectrum Disorder (ZSD); Zellweger Spectrum Disorder; Zellweger Spectrum; Zellweger syndrome. Identifiers: Orphanet 912, MedGen C0043459, MONDO:0019609.

Submission:

Labcorp Genetics (formerly Invitae), Labcorp
Classification: Uncertain significance for Zellweger spectrum disorders. Last evaluated: 2022-11-29. Review status: criteria provided, single submitter. Criteria: Invitae Variant Classification Sherloc (09022015). Collection method: clinical testing. Allele origin: germline.
Comment: In summary, the available evidence is currently insufficient to determine the role of this variant in disease. Therefore, it has been classified as a Variant of Uncertain Significance. Advanced modeling of protein sequence and biophysical properties (such as structural, functional, and spatial information, amino acid conservation, physicochemical variation, residue mobility, and thermodynamic stability) has been performed at Invitae for this missense variant, however the output from this modeling did not meet the statistical confidence thresholds required to predict the impact of this variant on PEX1 protein function. ClinVar contains an entry for this variant (Variation ID: 1039154). This variant has not been reported in the literature in individuals affected with PEX1-related conditions. This variant is not present in population databases (gnomAD no frequency). This sequence change replaces proline, which is neutral and non-polar, with leucine, which is neutral and non-polar, at codon 144 of the PEX1 protein (p.Pro144Leu).

NM_000466.3(PEX1):c.431C>T (p.Pro144Leu)

Gene: PEX1 (peroxisomal biogenesis factor 1; minus strand). Cytogenetic location: 7q21.2.
Variant type: single nucleotide variant.
Coding change: c.431C>T on transcript NM_000466.3 (MANE Select); coding-DNA position 431, C replaced by T.
Protein change: p.Pro144Leu; replaces proline 144 with leucine.
Molecular consequence: missense variant. On other transcripts: 5 prime UTR variant (1).
Genome position (GRCh38, 1-based): chr7:92,518,182, G>A on the plus strand (C>T on the coding strand, the complement: PEX1 is on the minus strand). VCF-style: chr7-92518182-G-A. GRCh37 (hg19) VCF-style: chr7-92147496-G-A.
Other names: c.431C>T, p.Pro144Leu (NM_001282677.2); c.-194C>T (NM_001282678.2); short protein forms P144L.
Identifiers: ClinVar variation 1039154 (VCV001039154.10), dbSNP rs1792891356, ClinGen allele CA368202211.